The following is an entry in ClinVar:

NM_001079872.2(CUL4B):c.1052G>A (p.Arg351Gln)

Gene: CUL4B (cullin 4B; minus strand). Cytogenetic location: Xq24.
Variant type: single nucleotide variant.
Coding change: c.1052G>A on transcript NM_001079872.2 (MANE Select); coding-DNA position 1052, G replaced by A.
Protein change: p.Arg351Gln; replaces arginine 351 with glutamine.
Molecular consequence: missense variant.
Genome position (GRCh38, 1-based): chrX:120,544,512, C>T on the plus strand (G>A on the coding strand, the complement: CUL4B is on the minus strand). VCF-style: chrX-120544512-C-T. GRCh37 (hg19) VCF-style: chrX-119678367-C-T.
Other names: c.1067G>A, p.Arg356Gln (NM_001330624.2); c.518G>A, p.Arg173Gln (NM_001369145.1); c.1106G>A, p.Arg369Gln (NM_003588.4); short protein forms R356Q, R369Q, R173Q, R351Q.
Identifiers: ClinVar variation 4985589 (VCV004985589.1).

ClinVar aggregate classification (germline): Uncertain significance (1 of 4 stars; one submission).

Conditions:
CUL4B-related disorder. Also called: CUL4B-related condition.

Submission:

PreventionGenetics, part of Exact Sciences
Classification: Uncertain significance for CUL4B-related condition. Last evaluated: 2025-05-17. Review status: criteria provided, single submitter. Criteria: ACMG Guidelines, 2015. Collection method: clinical testing. Allele origin: germline.
Comment: The CUL4B c.1106G>A variant is predicted to result in the amino acid substitution p.Arg369Gln. To our knowledge, this variant has not been reported in the literature or in a large population database (gnomAD), indicating this variant is rare. At this time, the clinical significance of this variant is uncertain due to the absence of conclusive functional and genetic evidence.